The following is an entry in ClinVar:

ClinVar aggregate classification (germline): Likely benign. Review status: criteria provided, multiple submitters, no conflicts (2 of 4 stars). 3 submissions from 3 submitters: Likely benign (3). Last evaluated 2025-12-10.

Conditions:
IMPG1-related disorder. Also called: IMPG1-related condition.

Submissions (3):

PreventionGenetics, part of Exact Sciences
Classification: Likely benign for IMPG1-related condition. Last evaluated: 2025-12-10. Review status: criteria provided, single submitter. Criteria: ACMG Guidelines, 2015. Collection method: clinical testing. Allele origin: germline.
Comment: This variant is classified as likely benign based on ACMG/AMP sequence variant interpretation guidelines (Richards et al. 2015 PMID: 25741868, with internal and published modifications).

Labcorp Genetics (formerly Invitae), Labcorp
Classification: Likely benign. Last evaluated: 2025-11-16. Review status: criteria provided, single submitter. Criteria: Invitae Variant Classification Sherloc (09022015). Collection method: clinical testing. Allele origin: germline.

Blueprint Genetics
Classification: Likely benign. Last evaluated: 2022-08-24. Review status: criteria provided, single submitter. Criteria: ACMG Guidelines, 2015. Collection method: clinical testing. Allele origin: germline.

NM_001563.4(IMPG1):c.1136-14dup

Gene: IMPG1 (interphotoreceptor matrix proteoglycan 1; minus strand). Cytogenetic location: 6q14.1.
Variant type: Duplication.
Coding change: c.1136-14dup on transcript NM_001563.4 (MANE Select); 14 bases into the intron before coding-DNA position 1136, one base duplicated (T; older notation c.1136-14dupT).
Molecular consequence: intron variant.
Genome position (GRCh38, 1-based): chr6:76,003,959, A duplicated on the plus strand (T on the coding strand, the reverse complement: IMPG1 is on the minus strand); the first of 6 consecutive A bases (chr6:76,003,959-76,003,964); duplicating any one gives the same sequence. VCF-style (leftmost placement, unchanged base first): chr6-76003958-T-TA. GRCh37 (hg19) VCF-style: chr6-76713675-T-TA.
Other names: c.1136-9dupT (NM_001563.3); c.902-14dup (NM_001282368.2).
Identifiers: ClinVar variation 1097105 (VCV001097105.11), dbSNP rs773504793, ClinGen allele CA3898218.